The following is an entry in ClinVar:

ClinVar aggregate classification (germline): Pathogenic (1 of 4 stars; one submission).

Conditions:
Charcot-Marie-Tooth disease type 2. Also called: Charcot-Marie-Tooth type 2. Identifiers: Orphanet 64746, MedGen C0270914, MONDO:0018993.

Submission:

Labcorp Genetics (formerly Invitae), Labcorp
Classification: Pathogenic for Charcot-Marie-Tooth disease type 2. Last evaluated: 2023-07-26. Review status: criteria provided, single submitter. Criteria: Invitae Variant Classification Sherloc (09022015). Collection method: clinical testing. Allele origin: germline.
Comment: This variant is not present in population databases (gnomAD no frequency). For these reasons, this variant has been classified as Pathogenic. This variant has not been reported in the literature in individuals affected with AARS-related conditions. This sequence change creates a premature translational stop signal (p.Gly626Alafs*34) in the AARS gene. It is expected to result in an absent or disrupted protein product. Loss-of-function variants in AARS are known to be pathogenic (PMID: 25817015, 28493438, 34446925).

Literature cited by the submitters: PubMed 25817015; PubMed 28493438; PubMed 34446925.

NM_001605.3(AARS1):c.1877del (p.Gly626fs)

Gene: AARS1 (alanyl-tRNA synthetase 1; minus strand). Cytogenetic location: 16q22.1.
Variant type: Deletion.
Coding change: c.1877del on transcript NM_001605.3 (MANE Select); coding-DNA position 1877, one base deleted (G; older notation c.1877delG).
Protein change: p.Gly626fs; shifts the reading frame from glycine 626.
Molecular consequence: frameshift variant.
Genome position (GRCh38, 1-based): chr16:70,259,095, C deleted on the plus strand (G on the coding strand, the reverse complement: AARS1 is on the minus strand); the first of 2 consecutive C bases (chr16:70,259,095-70,259,096); deleting either gives the same sequence. VCF-style (leftmost placement, unchanged base first): chr16-70259094-GC-G. GRCh37 (hg19) VCF-style: chr16-70292997-GC-G.
Other names: short protein forms G626fs.
Identifiers: ClinVar variation 2853038 (VCV002853038.3), dbSNP rs2506997974, ClinGen allele CA2739266869.